The following is an entry in ClinVar:

NM_006744.4(RBP4):c.467C>T (p.Ser156Phe)

Gene: RBP4 (retinol binding protein 4; minus strand). Cytogenetic location: 10q23.33.
Variant type: single nucleotide variant.
Coding change: c.467C>T on transcript NM_006744.4 (MANE Select); coding-DNA position 467, C replaced by T.
Protein change: p.Ser156Phe; replaces serine 156 with phenylalanine.
Molecular consequence: missense variant.
Genome position (GRCh38, 1-based): chr10:93,593,924, G>A on the plus strand (C>T on the coding strand, the complement: RBP4 is on the minus strand). VCF-style: chr10-93593924-G-A. GRCh37 (hg19) VCF-style: chr10-95353681-G-A.
Other names: c.467C>T, p.Ser156Phe (NM_001323517.1); c.461C>T, p.Ser154Phe (NM_001323518.2); short protein forms S154F, S156F.
Identifiers: ClinVar variation 1507048 (VCV001507048.9), dbSNP rs766365350, ClinGen allele CA5609549.

ClinVar aggregate classification (germline): Uncertain significance (1 of 4 stars; one submission).

Allele frequency attached by ClinVar (database versions not stated): ExAC 0.00001; gnomAD exomes 0.00001; gnomAD 0.00002; TOPMed 0.00004.
gnomAD v4.1: 8 of 1,613,914 alleles (0.0005%); highest among the groups gnomAD compares: Admixed American, 0.005%; no homozygotes.

Submission:

Labcorp Genetics (formerly Invitae), Labcorp
Classification: Uncertain significance. Last evaluated: 2022-07-06. Review status: criteria provided, single submitter. Criteria: Invitae Variant Classification Sherloc (09022015). Collection method: clinical testing. Allele origin: germline.
Comment: This sequence change replaces serine, which is neutral and polar, with phenylalanine, which is neutral and non-polar, at codon 156 of the RBP4 protein (p.Ser156Phe). This variant is present in population databases (rs766365350, gnomAD 0.003%). In summary, the available evidence is currently insufficient to determine the role of this variant in disease. Therefore, it has been classified as a Variant of Uncertain Significance. Algorithms developed to predict the effect of missense changes on protein structure and function are either unavailable or do not agree on the potential impact of this missense change (SIFT: "Deleterious"; PolyPhen-2: "Probably Damaging"; Align-GVGD: "Class C15"). ClinVar contains an entry for this variant (Variation ID: 1507048). This variant has not been reported in the literature in individuals affected with RBP4-related conditions.